The following is an entry in ClinVar:

ClinVar aggregate classification (germline): Pathogenic/Likely pathogenic. Review status: criteria provided, multiple submitters, no conflicts (2 of 4 stars). 2 submissions from 2 submitters: Pathogenic (1); Likely pathogenic (1). Last evaluated 2025-11-13.

Allele frequency attached by ClinVar (database versions not stated): gnomAD exomes below 0.00001.
gnomAD v4.1: 5 of 1,613,810 alleles (0.00031%); highest among the groups gnomAD compares: East Asian, 0.0067%; no homozygotes.

Submissions (2):

Dasa
Classification: Likely pathogenic. Last evaluated: 2025-11-13. Review status: criteria provided, single submitter. Criteria: DASA Assertion Criteria. Collection method: clinical testing. Allele origin: germline.
Comment: NM_000574.5(CD55):c.639G>A (p.Trp213*) is a nonsense variant in CD55 predicted to introduce a premature termination codon and is predicted to result in an absent or altered protein product. Loss of function is an established disease mechanism for CD55-associated disorders. Also, this variant is rare in population databases. Based on the currently available evidence, this variant is classified as likely pathogenic.

Labcorp Genetics (formerly Invitae), Labcorp
Classification: Pathogenic. Last evaluated: 2025-07-07. Review status: criteria provided, single submitter. Criteria: Invitae Variant Classification Sherloc (09022015). Collection method: clinical testing. Allele origin: germline.
Comment: This sequence change creates a premature translational stop signal (p.Trp213*) in the CD55 gene. It is expected to result in an absent or disrupted protein product. Loss-of-function variants in CD55 are known to be pathogenic (PMID: 28657829, 28657861). This variant is present in population databases (no rsID available, gnomAD 0.02%). This variant has not been reported in the literature in individuals affected with CD55-related conditions. ClinVar contains an entry for this variant (Variation ID: 2714425). For these reasons, this variant has been classified as Pathogenic.

Literature cited by the submitters: PubMed 28657829 (cited by Labcorp Genetics (formerly Invitae), Labcorp); PubMed 28657861 (cited by Labcorp Genetics (formerly Invitae), Labcorp).

NM_000574.5(CD55):c.639G>A (p.Trp213Ter)

Gene: CD55 (CD55 molecule (Cromer blood group); plus strand). Cytogenetic location: 1q32.2.
Variant type: single nucleotide variant.
Coding change: c.639G>A on transcript NM_000574.5 (MANE Select); coding-DNA position 639, G replaced by A.
Protein change: p.Trp213Ter; replaces tryptophan 213 with a stop codon.
Molecular consequence: nonsense. On other transcripts: non-coding transcript variant (1).
Genome position (GRCh38, 1-based): chr1:207,326,812, G>A. VCF-style: chr1-207326812-G-A. GRCh37 (hg19) VCF-style: chr1-207500157-G-A.
Other names: c.639G>A, p.Trp213Ter (NM_001114752.3, NM_001300902.2, NM_001300903.2 and 1 more transcripts); short protein forms W213*.
Identifiers: ClinVar variation 2714425 (VCV002714425.5), dbSNP rs1391706310, ClinGen allele CA344517057.
Genomic context (GRCh38, chr1:207,326,812, plus strand): 5'-GTACAAATTATTTGGCTCGACTTCTAGTTTTTGTCTTATTTCAGGCAGCTCTGTCCAGTG[G>A]AGTGACCCGTTGCCAGAGTGCAGAGGTAAGAGTTAAAAAATCTAAGCACTCAGATTGTGA-3'